The following is an entry in ClinVar:

ClinVar aggregate classification (germline): Uncertain significance (1 of 4 stars; one submission).

Submission:

Greenwood Genetic Center Diagnostic Laboratories, Greenwood Genetic Center
Classification: Uncertain significance. Last evaluated: 2020-11-23. Review status: criteria provided, single submitter. Criteria: ACMG Guidelines, 2015. Collection method: clinical testing. Allele origin: germline. Affected: yes.
Comment: BP4, PM2

NM_001394998.1(TANC2):c.4703C>T (p.Ser1568Phe)

Gene: TANC2 (tetratricopeptide repeat, ankyrin repeat and coiled-coil containing 2; plus strand). Cytogenetic location: 17q23.3.
Variant type: single nucleotide variant.
Coding change: c.4703C>T on transcript NM_001394998.1 (MANE Select); coding-DNA position 4703, C replaced by T.
Protein change: p.Ser1568Phe; replaces serine 1568 with phenylalanine.
Molecular consequence: missense variant.
Genome position (GRCh38, 1-based): chr17:63,420,433, C>T. VCF-style: chr17-63420433-C-T. GRCh37 (hg19) VCF-style: chr17-61497794-C-T.
Other names: c.4451C>T, p.Ser1484Phe (NM_025185.4); short protein forms S1484F, S1568F.
Identifiers: ClinVar variation 1331522 (VCV001331522.5), dbSNP rs1257800660, ClinGen allele CA400542101.
Genomic context (GRCh38, chr17:63,420,433, plus strand): 5'-AGGTTTTTGACTTCCGGTCCAGTAGTTCTGTAGGCTCTCCCACTAGACAGACCTATCAGT[C>T]CACCTCACCTGCCCTTTCTCCAACTCATCAGAACTCACATTACAGGCCTAGCCCACCACA-3'
Protein context (NP_001381927.1, residues 1558-1578): VGSPTRQTYQ[Ser1568Phe]TSPALSPTHQ